The following is an entry in ClinVar:

NM_007325.5(GRIA3):c.595G>T (p.Val199Phe)

Gene: GRIA3 (glutamate ionotropic receptor AMPA type subunit 3; plus strand). Cytogenetic location: Xq25.
Variant type: single nucleotide variant.
Coding change: c.595G>T on transcript NM_007325.5 (MANE Select); coding-DNA position 595, G replaced by T.
Protein change: p.Val199Phe; replaces valine 199 with phenylalanine.
Molecular consequence: missense variant.
Genome position (GRCh38, 1-based): chrX:123,326,112, G>T. VCF-style: chrX-123326112-G-T. GRCh37 (hg19) VCF-style: chrX-122459963-G-T.
Other names: c.595G>T, p.Val199Phe (NM_000828.5); short protein forms V199F.
Identifiers: ClinVar variation 3895912 (VCV003895912.2).
Genomic context (GRCh38, chrX:123,326,112, plus strand): 5'-GAAGCAGCAGTGCAAAACAACTGGCAAGTAACAGCAAGGTCTGTGGGAAACATAAAGGAC[G>T]TCCAAGAATTCAGGCGCATCATTGAAGAAATGGACAGGAGGCAGGAAAAGCGATACTTGA-3'
Protein context (NP_015564.5, residues 189-209): TARSVGNIKD[Val199Phe]QEFRRIIEEM

ClinVar aggregate classification (germline): Uncertain significance (1 of 4 stars; one submission).

Submission:

Women's Health and Genetics/Laboratory Corporation of America, LabCorp
Classification: Uncertain significance. Last evaluated: 2026-03-24. Review status: criteria provided, single submitter. Criteria: LabCorp Variant Classification Summary - May 2015. Collection method: clinical testing. Allele origin: germline.
Comment: Variant summary: GRIA3 c.595G>T (p.Val199Phe) results in a non-conservative amino acid change in the encoded protein sequence. Algorithms developed to predict the effect of missense changes on protein structure and function are either unavailable or do not agree on the potential impact of this missense change. The variant was absent in 183367 control chromosomes. The available data on variant occurrences in the general population are insufficient to allow any conclusion about variant significance. To our knowledge, no occurrence of c.595G>T in individuals affected with GRIA3-related conditions and no experimental evidence demonstrating its impact on protein function have been reported. ClinVar contains an entry for this variant (Variation ID: 3895912). Based on the evidence outlined above, the variant was classified as uncertain significance.